The following is an entry in ClinVar:

ClinVar aggregate classification (germline): Pathogenic (1 of 4 stars; one submission).

Conditions:
Holocarboxylase synthetase deficiency. Also called: MULTIPLE CARBOXYLASE DEFICIENCY, EARLY ONSET. Identifiers: Orphanet 79242, MedGen C0268581, MONDO:0009666, OMIM 253270.

Submission:

Labcorp Genetics (formerly Invitae), Labcorp
Classification: Pathogenic for Holocarboxylase synthetase deficiency. Last evaluated: 2022-10-28. Review status: criteria provided, single submitter. Criteria: Invitae Variant Classification Sherloc (09022015). Collection method: clinical testing. Allele origin: germline.
Comment: For these reasons, this variant has been classified as Pathogenic. This variant disrupts a region of the HLCS protein in which other variant(s) (p.Gln696*) have been determined to be pathogenic (PMID: 11124959; Invitae). This suggests that this is a clinically significant region of the protein, and that variants that disrupt it are likely to be disease-causing. This variant has not been reported in the literature in individuals affected with HLCS-related conditions. This variant is not present in population databases (gnomAD no frequency). This sequence change creates a premature translational stop signal (p.Gln673Lysfs*33) in the HLCS gene. While this is not anticipated to result in nonsense mediated decay, it is expected to disrupt the last 54 amino acid(s) of the HLCS protein.

Literature cited by the submitters: PubMed 11124959.

NM_001352514.2(HLCS):c.2458del (p.Gln820fs)

Gene: HLCS (holocarboxylase synthetase; minus strand). Cytogenetic location: 21q22.13.
Variant type: Deletion.
Coding change: c.2458del on transcript NM_001352514.2 (MANE Select); coding-DNA position 2458, one base deleted (C; older notation c.2458delC).
Protein change: p.Gln820fs; shifts the reading frame from glutamine 820.
Molecular consequence: frameshift variant. On other transcripts: non-coding transcript variant (2).
Genome position (GRCh38, 1-based): chr21:36,754,410, G deleted on the plus strand (C on the coding strand, the reverse complement: HLCS is on the minus strand). VCF-style (leftmost placement, unchanged base first): chr21-36754409-TG-T. GRCh37 (hg19) VCF-style: chr21-38126710-TG-T.
Other names: c.2017del, p.Gln673fs (NM_000411.8, NM_001242784.3, NM_001242785.2 and 4 more transcripts); short protein forms Q673fs, Q820fs.
Identifiers: ClinVar variation 1962881 (VCV001962881.5), dbSNP rs2516829857, ClinGen allele CA2580098680.